The following is an entry in ClinVar:

ClinVar aggregate classification (germline): Uncertain significance (1 of 4 stars; one submission).

Conditions:
Hereditary nonpolyposis colorectal neoplasms. Identifiers: MedGen C0009405, MeSH D003123.

Submission:

Labcorp Genetics (formerly Invitae), Labcorp
Classification: Uncertain significance for Hereditary nonpolyposis colorectal neoplasms. Last evaluated: 2023-10-30. Review status: criteria provided, single submitter. Criteria: Invitae Variant Classification Sherloc (09022015). Collection method: clinical testing. Allele origin: germline.
Comment: This sequence change replaces glutamic acid, which is acidic and polar, with lysine, which is basic and polar, at codon 348 of the PMS2 protein (p.Glu348Lys). This variant is not present in population databases (gnomAD no frequency). This variant has not been reported in the literature in individuals affected with PMS2-related conditions. ClinVar contains an entry for this variant (Variation ID: 1012141). Advanced modeling of protein sequence and biophysical properties (such as structural, functional, and spatial information, amino acid conservation, physicochemical variation, residue mobility, and thermodynamic stability) performed at Invitae indicates that this missense variant is expected to disrupt PMS2 protein function with a positive predictive value of 80%. In summary, the available evidence is currently insufficient to determine the role of this variant in disease. Therefore, it has been classified as a Variant of Uncertain Significance.

NM_000535.7(PMS2):c.1042G>A (p.Glu348Lys)

Gene: PMS2 (PMS1 homolog 2, mismatch repair system component; minus strand). Cytogenetic location: 7p22.1.
Variant type: single nucleotide variant.
Coding change: c.1042G>A on transcript NM_000535.7 (MANE Select); coding-DNA position 1042, G replaced by A.
Protein change: p.Glu348Lys; replaces glutamic acid 348 with lysine.
Molecular consequence: missense variant. On other transcripts: non-coding transcript variant (1), intron variant (2).
Genome position (GRCh38, 1-based): chr7:5,989,902, C>T on the plus strand (G>A on the coding strand, the complement: PMS2 is on the minus strand). VCF-style: chr7-5989902-C-T. GRCh37 (hg19) VCF-style: chr7-6029533-C-T.
Other names: c.637G>A, p.Glu213Lys (NM_001322003.2, NM_001322004.2, NM_001322005.2 and 1 more transcripts); c.724G>A, p.Glu242Lys (NM_001322007.2, NM_001322008.2); c.109G>A, p.Glu37Lys (NM_001322011.2, NM_001322012.2); c.469G>A, p.Glu157Lys (NM_001322013.2); c.1042G>A, p.Glu348Lys (NM_001322014.2); c.733G>A, p.Glu245Lys (NM_001322015.2); c.583+2071G>A (NM_001322010.2); c.988+2071G>A (NM_001322006.2); short protein forms E157K, E213K, E242K, E245K, E348K, E37K.
Identifiers: ClinVar variation 1012141 (VCV001012141.8), dbSNP rs1783538909, ClinGen allele CA366742928.